The following is an entry in ClinVar:

ClinVar aggregate classification (germline): Uncertain significance (1 of 4 stars; one submission).

Conditions:
Myofibrillar myopathy 5. Also called: Filaminopathy (type); FILAMINOPATHY, AUTOSOMAL DOMINANT. Identifiers: Orphanet 171445, MedGen C1836050, MONDO:0012289, OMIM 609524.
Distal myopathy with posterior leg and anterior hand involvement. Also called: WILLIAMS DISTAL MYOPATHY. Identifiers: Orphanet 63273, MedGen C3279722, MONDO:0013550, OMIM 614065.
Hypertrophic cardiomyopathy 26. Also called: Cardiomyopathy, familial hypertrophic, 26. Identifiers: Orphanet 75249, MedGen C4310749, MONDO:0014883, OMIM 617047.

Submission:

Labcorp Genetics (formerly Invitae), Labcorp
Classification: Uncertain significance for Distal myopathy with posterior leg and anterior hand involvement; Myofibrillar myopathy 5; Hypertrophic cardiomyopathy 26. Last evaluated: 2024-10-24. Review status: criteria provided, single submitter. Criteria: Invitae Variant Classification Sherloc (09022015). Collection method: clinical testing. Allele origin: germline.
Comment: This sequence change replaces threonine, which is neutral and polar, with isoleucine, which is neutral and non-polar, at codon 2412 of the FLNC protein (p.Thr2412Ile). This variant is not present in population databases (gnomAD no frequency). This variant has not been reported in the literature in individuals affected with FLNC-related conditions. ClinVar contains an entry for this variant (Variation ID: 1971987). Invitae Evidence Modeling of protein sequence and biophysical properties (such as structural, functional, and spatial information, amino acid conservation, physicochemical variation, residue mobility, and thermodynamic stability) indicates that this missense variant is not expected to disrupt FLNC protein function with a negative predictive value of 95%. In summary, the available evidence is currently insufficient to determine the role of this variant in disease. Therefore, it has been classified as a Variant of Uncertain Significance.

NM_001458.5(FLNC):c.7235C>T (p.Thr2412Ile)

Genes: FLNC-AS1 (FLNC antisense RNA 1; minus strand), FLNC (filamin C; plus strand). Cytogenetic location: 7q32.1.
Variant type: single nucleotide variant.
Coding change: c.7235C>T on transcript NM_001458.5 (MANE Select); coding-DNA position 7235, C replaced by T.
Protein change: p.Thr2412Ile; replaces threonine 2412 with isoleucine.
Molecular consequence: missense variant.
Genome position (GRCh38, 1-based): chr7:128,855,298, C>T. VCF-style: chr7-128855298-C-T. GRCh37 (hg19) VCF-style: chr7-128495352-C-T.
Other names: c.7136C>T, p.Thr2379Ile (NM_001127487.2); short protein forms T2412I, T2379I.
Identifiers: ClinVar variation 1971987 (VCV001971987.5), dbSNP rs2536667432, ClinGen allele CA369216037.